The following is an entry in ClinVar:

ClinVar aggregate classification (germline): Uncertain significance. Review status: criteria provided, single submitter (1 of 4 stars). 2 submissions from 2 submitters: Uncertain significance (1). 1 of the submissions does not count toward it. Last evaluated 2021-08-27.

Conditions:
Familial Mediterranean fever (FMF). Also called: POLYSEROSITIS, FAMILIAL PAROXYSMAL; POLYSEROSITIS, RECURRENT; Periodic peritonitis; Benign paroxysmal peritonitis. Identifiers: Orphanet 342, MedGen C0031069, MONDO:0018088, OMIM 249100. Disease mechanism: gain of function.

Allele frequency attached by ClinVar (database versions not stated): gnomAD exomes below 0.00001; TOPMed below 0.00001.

Submissions (2):

Labcorp Genetics (formerly Invitae), Labcorp
Classification: Uncertain significance for Familial Mediterranean fever. Last evaluated: 2021-08-27. Review status: criteria provided, single submitter. Criteria: Invitae Variant Classification Sherloc (09022015). Collection method: clinical testing. Allele origin: germline.
Comment: This sequence change replaces glycine with arginine at codon 129 of the MEFV protein (p.Gly129Arg). The glycine residue is weakly conserved and there is a moderate physicochemical difference between glycine and arginine. This variant is not present in population databases (ExAC no frequency). This variant has not been reported in the literature in individuals affected with MEFV-related conditions. Algorithms developed to predict the effect of missense changes on protein structure and function output the following: SIFT: "Tolerated"; PolyPhen-2: "Benign"; Align-GVGD: "Class C0". The arginine amino acid residue is found in multiple mammalian species, which suggests that this missense change does not adversely affect protein function. In summary, the available evidence is currently insufficient to determine the role of this variant in disease. Therefore, it has been classified as a Variant of Uncertain Significance.

Natera, Inc.
Classification: Uncertain significance for Familial Mediterranean fever. Last evaluated: 2020-09-11. Review status: no assertion criteria provided. Collection method: clinical testing. Allele origin: germline. Not counted in ClinVar's aggregate classification.

NM_000243.3(MEFV):c.385G>A (p.Gly129Arg)

Gene: MEFV (MEFV innate immunity regulator, pyrin; minus strand). Cytogenetic location: 16p13.3.
Variant type: single nucleotide variant.
Coding change: c.385G>A on transcript NM_000243.3 (MANE Select); coding-DNA position 385, G replaced by A.
Protein change: p.Gly129Arg; replaces glycine 129 with arginine.
Molecular consequence: missense variant. On other transcripts: intron variant (1).
Genome position (GRCh38, 1-based): chr16:3,254,683, C>T on the plus strand (G>A on the coding strand, the complement: MEFV is on the minus strand). VCF-style: chr16-3254683-C-T. GRCh37 (hg19) VCF-style: chr16-3304683-C-T.
Other names: c.277+1628G>A (NM_001198536.2); short protein forms G129R.
Identifiers: ClinVar variation 954123 (VCV000954123.10), dbSNP rs1344302872, ClinGen allele CA394481901.